The following is an entry in ClinVar:

NM_000098.3(CPT2):c.836_839del (p.Asp279fs)

Gene: CPT2 (carnitine palmitoyltransferase 2; plus strand). Cytogenetic location: 1p32.3.
Variant type: Deletion.
Coding change: c.836_839del on transcript NM_000098.3 (MANE Select); coding-DNA positions 836 to 839, 4 bases deleted (ACAG; older notation c.836_839delACAG).
Protein change: p.Asp279fs; shifts the reading frame from aspartic acid 279.
Molecular consequence: frameshift variant.
Genome position (GRCh38, 1-based): chr1:53,210,510-53,210,513, ACAG deleted; deleting any 4 consecutive bases within chr1:53,210,507-53,210,513 gives the same sequence; the c. name uses the placement nearest the transcript's 3' end. VCF-style (leftmost placement, unchanged base first): chr1-53210506-TCAGA-T. GRCh37 (hg19) VCF-style: chr1-53676178-TCAGA-T.
Other names: c.836_839del, p.Asp279fs (NM_001330589.2); short protein forms D279fs.
Identifiers: ClinVar variation 945061 (VCV000945061.7), dbSNP rs1645416288, ClinGen allele CA1139656124.
Genomic context (GRCh38, chr1:53,210,506, plus strand): 5'-GATCAAGATGGGAACATTGTGAGCCCCTCGGAAATCCAGGCACATCTGAAGTACATTCTC[TCAGA>T]CAGCAGCCCCGCCCCCGAGTTTCCCCTGGCATACCTGACCAGTGAGAACCGAGACATCTG-3'

ClinVar aggregate classification (germline): Pathogenic (1 of 4 stars; one submission).

Conditions:
Carnitine palmitoyltransferase II deficiency. Also called: Carnitine Palmitoyltransferase 2 Deficiency. Identifiers: Orphanet 157, MedGen C0342790, MONDO:0015515.

Submission:

Labcorp Genetics (formerly Invitae), Labcorp
Classification: Pathogenic for Carnitine palmitoyltransferase II deficiency. Last evaluated: 2020-08-31. Review status: criteria provided, single submitter. Criteria: Invitae Variant Classification Sherloc (09022015). Collection method: clinical testing. Allele origin: germline.
Comment: This sequence change creates a premature translational stop signal (p.Asp279Alafs*12) in the CPT2 gene. It is expected to result in an absent or disrupted protein product. This variant is not present in population databases (ExAC no frequency). This variant has not been reported in the literature in individuals with CPT2-related conditions. Loss-of-function variants in CPT2 are known to be pathogenic (PMID: 16781677, 16996287). For these reasons, this variant has been classified as Pathogenic.

Literature cited by the submitters: PubMed 16781677; PubMed 16996287.